The following is an entry in ClinVar:

ClinVar aggregate classification (germline): Uncertain significance (1 of 4 stars; one submission).

Submission:

GeneDx
Classification: Uncertain significance. Last evaluated: 2026-02-04. Review status: criteria provided, single submitter. Criteria: GeneDx Variant Classification Process June 2021. Collection method: clinical testing. Allele origin: germline.
Comment: Not observed at significant frequency in large population cohorts (gnomAD); In silico analysis supports that this missense variant has a deleterious effect on protein structure/function; Has not been previously published as pathogenic or benign to our knowledge

NM_000719.7(CACNA1C):c.4366T>G (p.Phe1456Val)

Gene: CACNA1C (calcium voltage-gated channel subunit alpha1 C; plus strand). Cytogenetic location: 12p13.33.
Variant type: single nucleotide variant.
Coding change: c.4366T>G on transcript NM_000719.7 (MANE Select); coding-DNA position 4366, T replaced by G.
Protein change: p.Phe1456Val; replaces phenylalanine 1456 with valine.
Molecular consequence: missense variant.
Genome position (GRCh38, 1-based): chr12:2,664,958, T>G. VCF-style: chr12-2664958-T-G. GRCh37 (hg19) VCF-style: chr12-2774124-T-G.
Other names: c.4510T>G, p.Phe1504Val (NM_001129827.2, NM_199460.4); c.4432T>G, p.Phe1478Val (NM_001129829.2); c.4366T>G, p.Phe1456Val (NM_001129830.3, NM_001129833.2, NM_001129834.2 and 7 more transcripts); c.4450T>G, p.Phe1484Val (NM_001129831.2); c.4426T>G, p.Phe1476Val (NM_001129832.2); c.4417T>G, p.Phe1473Val (NM_001129836.2); c.4333T>G, p.Phe1445Val (NM_001129837.2, NM_001129838.2, NM_001129846.2 and 1 more transcripts); c.4327T>G, p.Phe1443Val (NM_001129839.2); and 1 more; short protein forms F1443V, F1445V, F1453V, F1456V, F1473V, F1476V, F1478V, F1484V.
Identifiers: ClinVar variation 4976087 (VCV004976087.1).